The following is an entry in ClinVar:

ClinVar aggregate classification (germline): Uncertain significance (1 of 4 stars; one submission).

Submission:

Labcorp Genetics (formerly Invitae), Labcorp
Classification: Uncertain significance. Last evaluated: 2020-03-26. Review status: criteria provided, single submitter. Criteria: Invitae Variant Classification Sherloc (09022015). Collection method: clinical testing. Allele origin: germline.
Comment: This variant results in a copy number gain of the genomic region encompassing the full coding sequence of the CPLANE1 gene. The boundaries of this event are unknown as they extend beyond the assayed region for this gene and therefore may encompass additional genes. As the precise location of this event is unknown, it may be in tandem or it may be located elsewhere in the genome. This variant has not been reported in the literature in individuals with CPLANE1-related conditions. Experimental studies and prediction algorithms are not available or were not evaluated, and the functional significance of this variant is currently unknown. In summary, the available evidence is currently insufficient to determine the role of this variant in disease. Therefore, it has been classified as a Variant of Uncertain Significance.

NC_000005.9:g.(?_37107684)_(37247820_?)dup

Gene: CPLANE1 (ciliogenesis and planar polarity effector complex subunit 1; minus strand). Cytogenetic location: 5p13.2.
Variant type: Duplication.
Identifiers: ClinVar variation 1052576 (VCV001052576.1).